The following is an entry in ClinVar:

NM_001099274.3(TINF2):c.1019T>C (p.Leu340Pro)

Gene: TINF2 (TERF1 interacting nuclear factor 2; minus strand). Cytogenetic location: 14q12.
Variant type: single nucleotide variant.
Coding change: c.1019T>C on transcript NM_001099274.3 (MANE Select); coding-DNA position 1019, T replaced by C.
Protein change: p.Leu340Pro; replaces leucine 340 with proline.
Molecular consequence: missense variant.
Genome position (GRCh38, 1-based): chr14:24,240,461, A>G on the plus strand (T>C on the coding strand, the complement: TINF2 is on the minus strand). VCF-style: chr14-24240461-A-G. GRCh37 (hg19) VCF-style: chr14-24709667-A-G.
Other names: c.914T>C, p.Leu305Pro (NM_001363668.2); c.1019T>C, p.Leu340Pro (NM_012461.3); short protein forms L340P, L305P.
Identifiers: ClinVar variation 2157645 (VCV002157645.4), dbSNP rs1166396726, ClinGen allele CA389223646.

ClinVar aggregate classification (germline): Uncertain significance (1 of 4 stars; one submission).

Conditions:
Dyskeratosis congenita. Identifiers: Orphanet 1775, MedGen C0265965, MONDO:0015780.

Allele frequency attached by ClinVar (database versions not stated): TOPMed below 0.00001; gnomAD 0.00001.
gnomAD v4.1: 1 of 1,614,034 alleles (0.000062%); highest among the groups gnomAD compares: Non-Finnish European, 0.000085%; no homozygotes.

Submission:

Labcorp Genetics (formerly Invitae), Labcorp
Classification: Uncertain significance for Dyskeratosis congenita. Last evaluated: 2023-07-06. Review status: criteria provided, single submitter. Criteria: Invitae Variant Classification Sherloc (09022015). Collection method: clinical testing. Allele origin: germline.
Comment: In summary, the available evidence is currently insufficient to determine the role of this variant in disease. Therefore, it has been classified as a Variant of Uncertain Significance. Algorithms developed to predict the effect of missense changes on protein structure and function output the following: SIFT: "Not Available"; PolyPhen-2: "Possibly Damaging"; Align-GVGD: "Not Available". The proline amino acid residue is found in multiple mammalian species, which suggests that this missense change does not adversely affect protein function. ClinVar contains an entry for this variant (Variation ID: 2157645). This variant has not been reported in the literature in individuals affected with TINF2-related conditions. This variant is not present in population databases (gnomAD no frequency). This sequence change replaces leucine, which is neutral and non-polar, with proline, which is neutral and non-polar, at codon 340 of the TINF2 protein (p.Leu340Pro).